The following is an entry in ClinVar:

ClinVar aggregate classification (germline): Uncertain significance. Review status: criteria provided, multiple submitters, no conflicts (2 of 4 stars). 3 submissions from 3 submitters: Uncertain significance (3). Last evaluated 2026-07-23.

Conditions:
DMXL2-related disorder. Also called: DMXL2-related condition.
Inborn genetic diseases. Identifiers: MedGen C0950123, MeSH D030342.

Allele frequency attached by ClinVar (database versions not stated): gnomAD 0.00001 and 0.00003; TOPMed 0.00002; gnomAD exomes 0.00003; ExAC 0.00004; ESP Exome Variant Server 0.00008.
gnomAD v4.1: 39 of 1,611,952 alleles (0.0024%); highest among the groups gnomAD compares: East Asian, 0.016%; no homozygotes.

Submissions (3):

PreventionGenetics, part of Exact Sciences
Classification: Uncertain significance for DMXL2-related condition. Last evaluated: 2026-07-23. Review status: criteria provided, single submitter. Criteria: ACMG Guidelines, 2015. Collection method: clinical testing. Allele origin: germline.
Comment: The DMXL2 c.619A>G variant is predicted to result in the amino acid substitution p.Ile207Val. To our knowledge, this variant has not been reported in the literature. This variant is reported in 0.011% of alleles in individuals of East Asian descent in gnomAD. At this time, the clinical significance of this variant is uncertain due to the absence of conclusive functional and genetic evidence.

Ambry Genetics
Classification: Uncertain significance for Inborn genetic diseases. Last evaluated: 2025-02-19. Review status: criteria provided, single submitter. Criteria: Ambry Variant Classification Scheme 2023. Collection method: clinical testing. Allele origin: germline.

Labcorp Genetics (formerly Invitae), Labcorp
Classification: Uncertain significance. Last evaluated: 2021-12-16. Review status: criteria provided, single submitter. Criteria: Invitae Variant Classification Sherloc (09022015). Collection method: clinical testing. Allele origin: germline.
Comment: This variant has not been reported in the literature in individuals affected with DMXL2-related conditions. In summary, the available evidence is currently insufficient to determine the role of this variant in disease. Therefore, it has been classified as a Variant of Uncertain Significance. Algorithms developed to predict the effect of missense changes on protein structure and function (SIFT, PolyPhen-2, Align-GVGD) all suggest that this variant is likely to be tolerated. This variant is present in population databases (rs150515203, gnomAD 0.01%). This sequence change replaces isoleucine, which is neutral and non-polar, with valine, which is neutral and non-polar, at codon 207 of the DMXL2 protein (p.Ile207Val).

NM_001378457.1(DMXL2):c.619A>G (p.Ile207Val)

Gene: DMXL2 (Dmx like 2; minus strand). Cytogenetic location: 15q21.2.
Variant type: single nucleotide variant.
Coding change: c.619A>G on transcript NM_001378457.1 (MANE Select); coding-DNA position 619, A replaced by G.
Protein change: p.Ile207Val; replaces isoleucine 207 with valine.
Molecular consequence: missense variant. On other transcripts: non-coding transcript variant (2).
Genome position (GRCh38, 1-based): chr15:51,547,357, T>C on the plus strand (A>G on the coding strand, the complement: DMXL2 is on the minus strand). VCF-style: chr15-51547357-T-C. GRCh37 (hg19) VCF-style: chr15-51839554-T-C.
Other names: c.619A>G, p.Ile207Val (NM_001174116.3, NM_001174117.3, NM_001378458.1 and 7 more transcripts); c.619A>G (NM_001174116.1); short protein forms I207V.
Identifiers: ClinVar variation 1382450 (VCV001382450.6), dbSNP rs150515203, ClinGen allele CA7562776.